The following is an entry in ClinVar:

NM_004859.4(CLTC):c.4042-1G>C

Genes: CLTC (clathrin heavy chain; plus strand), LOC126862609 (CDK7 strongly-dependent group 2 enhancer GRCh37_chr17:57760547-57761746; plus strand). Cytogenetic location: 17q23.1.
Variant type: single nucleotide variant.
Coding change: c.4042-1G>C on transcript NM_004859.4 (MANE Select); the canonical splice acceptor site of the intron before coding-DNA position 4042, G replaced by C.
Molecular consequence: splice acceptor variant.
Genome position (GRCh38, 1-based): chr17:59,683,386, G>C. VCF-style: chr17-59683386-G-C. GRCh37 (hg19) VCF-style: chr17-57760747-G-C.
Other names: c.4054-1G>C (NM_001288653.2).
Identifiers: ClinVar variation 3657279 (VCV003657279.2).

ClinVar aggregate classification (germline): Likely pathogenic (1 of 4 stars; one submission).

Submission:

Labcorp Genetics (formerly Invitae), Labcorp
Classification: Likely pathogenic. Last evaluated: 2024-06-21. Review status: criteria provided, single submitter. Criteria: Invitae Variant Classification Sherloc (09022015). Collection method: clinical testing. Allele origin: germline.
Comment: This sequence change affects an acceptor splice site in intron 25 of the CLTC gene. It is expected to disrupt RNA splicing. Variants that disrupt the donor or acceptor splice site typically lead to a loss of protein function (PMID: 16199547), and loss-of-function variants in CLTC are known to be pathogenic (PMID: 29100083). This variant is not present in population databases (gnomAD no frequency). This variant has not been reported in the literature in individuals affected with CLTC-related conditions. Algorithms developed to predict the effect of sequence changes on RNA splicing suggest that this variant may disrupt the consensus splice site. In summary, the currently available evidence indicates that the variant is pathogenic, but additional data are needed to prove that conclusively. Therefore, this variant has been classified as Likely Pathogenic.

Literature cited by the submitters: PubMed 16199547; PubMed 29100083.